The following is an entry in ClinVar:

NM_024675.4(PALB2):c.2621C>A (p.Ala874Asp)

Gene: PALB2 (partner and localizer of BRCA2; minus strand). Cytogenetic location: 16p12.2.
Variant type: single nucleotide variant.
Coding change: c.2621C>A on transcript NM_024675.4 (MANE Select); coding-DNA position 2621, C replaced by A.
Protein change: p.Ala874Asp; replaces alanine 874 with aspartic acid.
Molecular consequence: missense variant.
Genome position (GRCh38, 1-based): chr16:23,626,363, G>T on the plus strand (C>A on the coding strand, the complement: PALB2 is on the minus strand). VCF-style: chr16-23626363-G-T. GRCh37 (hg19) VCF-style: chr16-23637684-G-T.
Other names: short protein forms A874D.
Identifiers: ClinVar variation 480294 (VCV000480294.15), dbSNP rs1440952139, ClinGen allele CA395122192.

ClinVar aggregate classification (germline): Uncertain significance. Review status: criteria provided, multiple submitters, no conflicts (2 of 4 stars). 2 submissions from 2 submitters: Uncertain significance (2). Last evaluated 2020-10-01.

Conditions:
Familial cancer of breast. Also called: BREAST CANCER, FAMILIAL; Hereditary breast cancer; hereditary breast carcinoma. Identifiers: Orphanet 227535, MedGen C0346153, MONDO:0016419, OMIM 114480. Disease mechanism: loss of function.
Hereditary cancer-predisposing syndrome. Also called: Hereditary Cancer Syndrome; Neoplastic Syndromes, Hereditary; Tumor predisposition; Hereditary neoplastic syndrome. Identifiers: Orphanet 140162, MedGen C0027672, MeSH D009386, MONDO:0015356.

Submissions (2):

Labcorp Genetics (formerly Invitae), Labcorp
Classification: Uncertain significance for Familial cancer of breast. Last evaluated: 2020-10-01. Review status: criteria provided, single submitter. Criteria: Invitae Variant Classification Sherloc (09022015). Collection method: clinical testing. Allele origin: germline.
Comment: This sequence change replaces alanine with aspartic acid at codon 874 of the PALB2 protein (p.Ala874Asp). The alanine residue is moderately conserved and there is a moderate physicochemical difference between alanine and aspartic acid. This variant is not present in population databases (ExAC no frequency). This variant has not been reported in the literature in individuals with PALB2-related conditions. ClinVar contains an entry for this variant (Variation ID: 480294). Algorithms developed to predict the effect of missense changes on protein structure and function are either unavailable or do not agree on the potential impact of this missense change (SIFT: "Tolerated"; PolyPhen-2: "Probably Damaging"; Align-GVGD: "Class C0"). In summary, the available evidence is currently insufficient to determine the role of this variant in disease. Therefore, it has been classified as a Variant of Uncertain Significance.

Ambry Genetics
Classification: Uncertain significance for Hereditary cancer-predisposing syndrome. Last evaluated: 2017-07-19. Review status: criteria provided, single submitter. Criteria: Ambry Variant Classification Scheme 2023. Collection method: clinical testing. Allele origin: germline.
Comment: The p.A874D variant (also known as c.2621C>A), located in coding exon 7 of the PALB2 gene, results from a C to A substitution at nucleotide position 2621. The alanine at codon 874 is replaced by aspartic acid, an amino acid with dissimilar properties. This amino acid position is not well conserved in available vertebrate species. In addition, the in silico prediction for this alteration is inconclusive. Since supporting evidence is limited at this time, the clinical significance of this alteration remains unclear.